The following is an entry in ClinVar:

NM_001367624.2(ZNF469):c.5006C>T (p.Ala1669Val)

Gene: ZNF469 (zinc finger protein 469; plus strand). Cytogenetic location: 16q24.2.
Variant type: single nucleotide variant.
Coding change: c.5006C>T on transcript NM_001367624.2 (MANE Select); coding-DNA position 5006, C replaced by T.
Protein change: p.Ala1669Val; replaces alanine 1669 with valine.
Molecular consequence: missense variant.
Genome position (GRCh38, 1-based): chr16:88,432,476, C>T. VCF-style: chr16-88432476-C-T. GRCh37 (hg19) VCF-style: chr16-88498884-C-T.
Other names: NM_001127464.1:c.4922C>T; NM_001127464.2:c.4922C>T; p.Ala1669Val; short protein forms A1669V.
Identifiers: ClinVar variation 506392 (VCV000506392.55), dbSNP rs200070902, ClinGen allele CA8225034.

ClinVar aggregate classification (germline): Conflicting classifications of pathogenicity. Review status: criteria provided, conflicting classifications (1 of 4 stars). 11 submissions from 11 submitters: Uncertain significance (3); Likely benign (6). 2 of the submissions do not count toward it. Last evaluated 2026-06-10.

Conditions:
ZNF469-related disorder. Also called: ZNF469-related condition.
Brittle cornea syndrome 1 (BCS1). Also called: Corneal fragility keratoglobus, blue sclerae AND joint hypermobility; FRAGILITAS OCULI WITH JOINT HYPEREXTENSIBILITY; DYSGENESIS MESODERMALIS CORNEAE ET SCLERAE; CORNEAL FRAGILITY, KERATOGLOBUS, BLUE SCLERAE, JOINT HYPEREXTENSIBILITY; EDS6B. Identifiers: Orphanet 90354, MedGen C0268344, MONDO:0024543, OMIM 229200.
Cardiovascular phenotype. Identifiers: MedGen CN230736.
Ehlers-Danlos syndrome (EDS). Identifiers: Orphanet 98249, MedGen C0013720, MONDO:0020066.

Allele frequency attached by ClinVar (database versions not stated): TOPMed 0.00064; gnomAD 0.00066 and 0.00070; gnomAD exomes 0.00068; ExAC 0.00032; 1000 Genomes Project 0.00040; 1000 Genomes Project 30x 0.00047.
gnomAD v4.1: 1,792 of 1,550,394 alleles (0.12%); highest among the groups gnomAD compares: Non-Finnish European, 0.15%; no homozygotes.

Submissions (11):

Women's Health and Genetics/Laboratory Corporation of America, LabCorp
Classification: Likely benign. Last evaluated: 2026-06-10. Review status: criteria provided, single submitter. Criteria: LabCorp Variant Classification Summary - May 2015. Collection method: clinical testing. Allele origin: germline.
Comment: Variant summary: ZNF469 c.5006C>T (p.Ala1669Val) results in a non-conservative amino acid change in the encoded protein sequence. Algorithms developed to predict the effect of missense changes on protein structure and function are either unavailable or do not agree on the potential impact of this missense change. The variant allele was found at a frequency of 0.00068 in 153582 control chromosomes, predominantly at a frequency of 0.0016 within the Non-Finnish European subpopulation in the gnomAD database, including 1 homozygote. To our knowledge, no occurrence of c.5006C>T in individuals affected with ZNF469-related conditions and no experimental evidence demonstrating its impact on protein function have been reported. ClinVar contains an entry for this variant (Variation ID: 506392). Based on the evidence outlined above, the variant was classified as likely benign.

PreventionGenetics, part of Exact Sciences
Classification: Uncertain significance for ZNF469-related condition. Last evaluated: 2026-04-01. Review status: criteria provided, single submitter. Criteria: ACMG Guidelines, 2015. Collection method: clinical testing. Allele origin: germline.
Comment: The ZNF469 c.4922C>T variant is predicted to result in the amino acid substitution p.Ala1641Val. To our knowledge, this variant has not been reported in the literature. This variant is reported in 0.13% of alleles in individuals of European (Non-Finnish) descent in gnomAD. Although we suspect that this variant may be benign, at this time, the clinical significance of this variant is uncertain due to the absence of conclusive functional and genetic evidence.

Labcorp Genetics (formerly Invitae), Labcorp
Classification: Likely benign. Last evaluated: 2026-02-01. Review status: criteria provided, single submitter. Criteria: Invitae Variant Classification Sherloc (09022015). Collection method: clinical testing. Allele origin: germline.

Mayo Clinic Laboratories, Mayo Clinic
Classification: Likely benign. Last evaluated: 2025-10-09. Review status: criteria provided, single submitter. Criteria: ACMG Guidelines, 2015. Collection method: clinical testing. Allele origin: germline. Observed: 6 variant alleles.
Comment: BS1, BP4

CeGaT Center for Human Genetics Tuebingen
Classification: Likely benign. Last evaluated: 2023-10-01. Review status: criteria provided, single submitter. Criteria: CeGaT Center For Human Genetics Tuebingen Variant Classification Criteria Version 2. Collection method: clinical testing. Allele origin: germline. Affected: yes. Observed: 4 variant alleles.
Comment: ZNF469: BP4

Ambry Genetics
Classification: Uncertain significance for Cardiovascular phenotype. Last evaluated: 2021-08-17. Review status: criteria provided, single submitter. Criteria: Ambry Variant Classification Scheme 2023. Collection method: clinical testing. Allele origin: germline.

Department of Pathology and Laboratory Medicine, Sinai Health System
Classification: Uncertain significance for Brittle cornea syndrome 1. Last evaluated: 2021-07-30. Review status: criteria provided, single submitter. Criteria: ACMG Guidelines, 2015. Collection method: research. Allele origin: germline.

Genome Diagnostics Laboratory, The Hospital for Sick Children
Classification: Likely benign for Ehlers-Danlos syndrome. Last evaluated: 2021-02-11. Review status: criteria provided, single submitter. Criteria: ACMG Guidelines, 2015. Collection method: clinical testing. Allele origin: germline.

GeneDx
Classification: Likely benign. Last evaluated: 2020-09-02. Review status: criteria provided, single submitter. Criteria: GeneDx Variant Classification Process June 2021. Collection method: clinical testing. Allele origin: germline. Affected: yes.

Clinical Genetics DNA and cytogenetics Diagnostics Lab, Erasmus MC, Erasmus Medical Center
Classification: Likely benign. Review status: no assertion criteria provided. Collection method: clinical testing. Allele origin: germline. Affected: yes. Study: VKGL Data-share Consensus. Not counted in ClinVar's aggregate classification.

Genome Diagnostics Laboratory, Amsterdam University Medical Center
Classification: Benign. Review status: no assertion criteria provided. Collection method: clinical testing. Allele origin: germline. Affected: yes. Study: VKGL Data-share Consensus. Not counted in ClinVar's aggregate classification.